The following is an entry in ClinVar:

ClinVar aggregate classification (germline): Uncertain significance (1 of 4 stars; one submission).

Allele frequency attached by ClinVar (database versions not stated): gnomAD exomes below 0.00001; TOPMed below 0.00001.
gnomAD v4.1: 4 of 1,614,212 alleles (0.00025%); highest among the groups gnomAD compares: East Asian, 0.0022%; no homozygotes.

Submission:

Labcorp Genetics (formerly Invitae), Labcorp
Classification: Uncertain significance. Last evaluated: 2024-10-17. Review status: criteria provided, single submitter. Criteria: Invitae Variant Classification Sherloc (09022015). Collection method: clinical testing. Allele origin: germline.
Comment: This sequence change replaces isoleucine, which is neutral and non-polar, with valine, which is neutral and non-polar, at codon 1550 of the FAT4 protein (p.Ile1550Val). This variant is not present in population databases (gnomAD no frequency). This variant has not been reported in the literature in individuals affected with FAT4-related conditions. ClinVar contains an entry for this variant (Variation ID: 2098000). Invitae Evidence Modeling of protein sequence and biophysical properties (such as structural, functional, and spatial information, amino acid conservation, physicochemical variation, residue mobility, and thermodynamic stability) indicates that this missense variant is not expected to disrupt FAT4 protein function with a negative predictive value of 80%. In summary, the available evidence is currently insufficient to determine the role of this variant in disease. Therefore, it has been classified as a Variant of Uncertain Significance.

NM_001291303.3(FAT4):c.4648A>G (p.Ile1550Val)

Gene: FAT4 (FAT atypical cadherin 4; plus strand). Cytogenetic location: 4q28.1.
Variant type: single nucleotide variant.
Coding change: c.4648A>G on transcript NM_001291303.3 (MANE Select); coding-DNA position 4648, A replaced by G.
Protein change: p.Ile1550Val; replaces isoleucine 1550 with valine.
Molecular consequence: missense variant.
Genome position (GRCh38, 1-based): chr4:125,321,059, A>G. VCF-style: chr4-125321059-A-G. GRCh37 (hg19) VCF-style: chr4-126242214-A-G.
Other names: c.4648A>G, p.Ile1550Val (NM_001291285.3, NM_024582.6); short protein forms I1550V.
Identifiers: ClinVar variation 2098000 (VCV002098000.4), dbSNP rs1730919617, ClinGen allele CA358127292.